The following is an entry in ClinVar:

NC_000002.11:g.(?_51253489)_(51255411_?)dup

Gene: NRXN1 (neurexin 1; minus strand). Cytogenetic location: 2p16.3.
Variant type: Duplication.
Identifiers: ClinVar variation 1410228 (VCV001410228.4).

ClinVar aggregate classification (germline): Uncertain significance (1 of 4 stars; one submission).

Conditions:
Pitt-Hopkins-like syndrome 2 (PTHSL2). Identifiers: Orphanet 221150, Orphanet 600663, MedGen C3280479, MONDO:0013690, OMIM 614325.

Submission:

Labcorp Genetics (formerly Invitae), Labcorp
Classification: Uncertain significance for Pitt-Hopkins-like syndrome 2. Last evaluated: 2021-02-22. Review status: criteria provided, single submitter. Criteria: Invitae Variant Classification Sherloc (09022015). Collection method: clinical testing. Allele origin: germline.
Comment: In summary, the available evidence is currently insufficient to determine the role of this variant in disease. Therefore, it has been classified as a Variant of Uncertain Significance. This variant has not been reported in the literature in individuals with NRXN1-related conditions. This variant results in a copy number gain of the genomic region encompassing exon(s) 2-3 of the NRXN1 gene. This region includes the initiator codon of the gene. The 5' end of this event is unknown as it extends beyond the assayed region for this gene and therefore may encompass additional genes. The 3' boundary is likely confined to intron 3 of the NRXN1 gene. As the precise location of this event is unknown, it may be in tandem or it may be located elsewhere in the genome.